The following is an entry in ClinVar:

ClinVar aggregate classification (germline): Benign/Likely benign. Review status: criteria provided, multiple submitters, no conflicts (2 of 4 stars). 5 submissions from 5 submitters: Benign (4); Likely benign (1). Last evaluated 2026-08-01.

Conditions:
Hearing loss, X-linked 6. Also called: Deafness, X-linked 6. Identifiers: Orphanet 90625, MedGen C3806737, MONDO:0010484, OMIM 300914.

Allele frequency attached by ClinVar (database versions not stated): gnomAD exomes 0.00035; ExAC 0.00054; 1000 Genomes Project 30x 0.00062; 1000 Genomes Project 0.00079; TOPMed 0.00132; gnomAD 0.00133 and 0.00145; ESP Exome Variant Server 0.00208.
gnomAD v4.1: 269 of 1,209,788 alleles (0.022%); highest among the groups gnomAD compares: African/African-American, 0.44%; no homozygotes.

Submissions (5):

CeGaT Center for Human Genetics Tuebingen
Classification: Likely benign. Last evaluated: 2026-08-01. Review status: criteria provided, single submitter. Criteria: CeGaT Center For Human Genetics Tuebingen Variant Classification Criteria Version 2. Collection method: clinical testing. Allele origin: germline. Affected: yes. Observed: 1 variant allele.
Comment: COL4A6: BP4, BP7, BS2

Labcorp Genetics (formerly Invitae), Labcorp
Classification: Benign. Last evaluated: 2026-01-31. Review status: criteria provided, single submitter. Criteria: Invitae Variant Classification Sherloc (09022015). Collection method: clinical testing. Allele origin: germline.

Genome-Nilou Lab
Classification: Benign for Hearing loss, X-linked 6. Last evaluated: 2022-03-15. Review status: criteria provided, single submitter. Criteria: ACMG Guidelines, 2015. Collection method: clinical testing. Allele origin: germline. Affected: no.

GeneDx
Classification: Benign. Last evaluated: 2020-02-13. Review status: criteria provided, single submitter. Criteria: GeneDx Variant Classification Process June 2021. Collection method: clinical testing. Allele origin: germline. Affected: yes.

Breakthrough Genomics
Classification: Benign. Review status: criteria provided, single submitter. Criteria: ACMG Guidelines, 2015. Collection method: not provided. Allele origin: germline. Inheritance: X-linked inheritance. Affected: yes.

NM_033641.4(COL4A6):c.2400C>A (p.Gly800=)

Gene: COL4A6 (collagen type IV alpha 6 chain; minus strand). Cytogenetic location: Xq22.3.
Variant type: single nucleotide variant.
Coding change: c.2400C>A on transcript NM_033641.4 (MANE Select); coding-DNA position 2400, C replaced by A.
Protein change: p.Gly800=; no amino-acid change (glycine 800 retained).
Molecular consequence: synonymous variant.
Genome position (GRCh38, 1-based): chrX:108,178,799, G>T on the plus strand (C>A on the coding strand, the complement: COL4A6 is on the minus strand). VCF-style: chrX-108178799-G-T. GRCh37 (hg19) VCF-style: chrX-107422029-G-T.
Other names: c.2451C>A, p.Gly817= (NM_001287758.2); c.2400C>A, p.Gly800= (NM_001287759.2, NM_001287760.2); c.2403C>A, p.Gly801= (NM_001847.4).
Identifiers: ClinVar variation 766981 (VCV000766981.14), dbSNP rs60172559, ClinGen allele CA10487625.